The following is an entry in ClinVar:

ClinVar aggregate classification (germline): Benign/Likely benign. Review status: criteria provided, multiple submitters, no conflicts (2 of 4 stars). 2 submissions from 2 submitters: Benign (1); Likely benign (1). Last evaluated 2024-09-24.

Conditions:
Hereditary diffuse gastric adenocarcinoma (HDGC). Also called: DIFFUSE GASTRIC AND LOBULAR BREAST CANCER SYNDROME. Identifiers: Orphanet 26106, MedGen C1708349, MONDO:0007648, OMIM 137215.

Submissions (2):

Myriad Genetics, Inc.
Classification: Benign for Hereditary diffuse gastric adenocarcinoma. Last evaluated: 2024-09-24. Review status: criteria provided, single submitter. Criteria: Myriad Autosomal Dominant, Autosomal Recessive and X-Linked Classification Criteria (2023). Collection method: clinical testing. Allele origin: unknown.
Comment: This variant is considered benign. This variant is a silent/synonymous amino acid change and it is not expected to impact splicing.

Labcorp Genetics (formerly Invitae), Labcorp
Classification: Likely benign for Hereditary diffuse gastric adenocarcinoma. Last evaluated: 2023-07-17. Review status: criteria provided, single submitter. Criteria: Invitae Variant Classification Sherloc (09022015). Collection method: clinical testing. Allele origin: germline.

NM_004360.5(CDH1):c.2598C>A (p.Gly866=)

Gene: CDH1 (cadherin 1; plus strand). Cytogenetic location: 16q22.1.
Variant type: single nucleotide variant.
Coding change: c.2598C>A on transcript NM_004360.5 (MANE Select); coding-DNA position 2598, C replaced by A.
Protein change: p.Gly866=; no amino-acid change (glycine 866 retained).
Molecular consequence: synonymous variant.
Genome position (GRCh38, 1-based): chr16:68,833,448, C>A. VCF-style: chr16-68833448-C-A. GRCh37 (hg19) VCF-style: chr16-68867351-C-A.
Other names: c.2415C>A, p.Gly805= (NM_001317184.2); c.1050C>A, p.Gly350= (NM_001317185.2); c.633C>A, p.Gly211= (NM_001317186.2).
Identifiers: ClinVar variation 2744529 (VCV002744529.4), dbSNP rs1961543971, ClinGen allele CA496393204.